The following is an entry in ClinVar:

NM_001193315.2(VIPAS39):c.658C>T (p.Arg220Ter)

Gene: VIPAS39 (VPS33B interacting protein, apical-basolateral polarity regulator, spe-39 homolog; minus strand). Cytogenetic location: 14q24.3.
Variant type: single nucleotide variant.
Coding change: c.658C>T on transcript NM_001193315.2 (MANE Select); coding-DNA position 658, C replaced by T.
Protein change: p.Arg220Ter; replaces arginine 220 with a stop codon.
Molecular consequence: nonsense.
Genome position (GRCh38, 1-based): chr14:77,442,636, G>A on the plus strand (C>T on the coding strand, the complement: VIPAS39 is on the minus strand). VCF-style: chr14-77442636-G-A. GRCh37 (hg19) VCF-style: chr14-77908979-G-A.
Other names: c.658C>T, p.Arg220Ter (NM_001193314.2, NM_001193317.2, NM_022067.4); c.511C>T, p.Arg171Ter (NM_001193316.2); short protein forms R220*, R171*.
Identifiers: ClinVar variation 113 (VCV000000113.4), dbSNP rs200370925, ClinGen allele CA113864.
Genomic context (GRCh38, chr14:77,442,636, plus strand): 5'-GCAACTTTTGATCCCCTATTTCCTTAAGGAAGTGAATAAGATGTCTCAGGGCAACCTGTC[G>A]CACCTCCAGCTCTCGGAAGAGGATCTCTGTCAGACAGTCAGGAGTTAAGTTGAGAAAGAT-3'

ClinVar aggregate classification (germline): Pathogenic. Review status: criteria provided, multiple submitters, no conflicts (2 of 4 stars). 3 submissions from 3 submitters: Pathogenic (2). 1 of the submissions does not count toward it. Last evaluated 2024-11-11.

Conditions:
Arthrogryposis, renal dysfunction, and cholestasis 2 (ARCS2). Identifiers: Orphanet 2697, MedGen C3150672, MONDO:0013255, OMIM 613404.

Allele frequency attached by ClinVar (database versions not stated): TOPMed 0.00003; gnomAD exomes below 0.00001; gnomAD 0.00001.
gnomAD v4.1: 6 of 1,614,046 alleles (0.00037%); highest among the groups gnomAD compares: Admixed American, 0.0017%; no homozygotes.

Submissions (3):

Dasa
Classification: Pathogenic. Last evaluated: 2024-11-11. Review status: criteria provided, single submitter. Criteria: DASA Assertion Criteria. Collection method: clinical testing. Allele origin: germline.
Comment: NM_001193315.2(VIPAS39):c.658C>T (p.Arg220*) introduces a premature termination codon predicted to result in loss of normal protein function. Loss-of-function is an established mechanism of disease for this gene. This variant has been observed in affected individuals with related phenotype in a genotype context consistent with recessive disease. The variant is present at low frequency in population datasets. Based on the available data, this variant is classified as pathogenic.

Fulgent Genetics
Classification: Pathogenic for Arthrogryposis, renal dysfunction, and cholestasis 2. Last evaluated: 2024-05-15. Review status: criteria provided, single submitter. Criteria: ACMG Guidelines, 2015. Collection method: clinical testing. Allele origin: germline.

OMIM
Classification: Pathogenic for ARTHROGRYPOSIS, RENAL DYSFUNCTION, AND CHOLESTASIS 2. Last evaluated: 2010-04-01. Review status: no assertion criteria provided. Collection method: literature only. Allele origin: germline. Not counted in ClinVar's aggregate classification.

Literature cited by the submitters: PubMed 20190753 (cited by OMIM).